The following is an entry in ClinVar:

NM_014845.6(FIG4):c.827C>T (p.Ser276Phe)

Gene: FIG4 (FIG4 phosphoinositide 5-phosphatase; plus strand). Cytogenetic location: 6q21.
Variant type: single nucleotide variant.
Coding change: c.827C>T on transcript NM_014845.6 (MANE Select); coding-DNA position 827, C replaced by T.
Protein change: p.Ser276Phe; replaces serine 276 with phenylalanine.
Molecular consequence: missense variant.
Genome position (GRCh38, 1-based): chr6:109,741,495, C>T. VCF-style: chr6-109741495-C-T. GRCh37 (hg19) VCF-style: chr6-110062698-C-T.
Other names: c.827C>T (NM_014845.5); short protein forms S276F.
Identifiers: ClinVar variation 1061234 (VCV001061234.7), dbSNP rs1311885951, ClinGen allele CA365220895.

ClinVar aggregate classification (germline): Conflicting classifications of pathogenicity. Review status: criteria provided, conflicting classifications (1 of 4 stars). 3 submissions from 3 submitters: Likely pathogenic (1); Uncertain significance (2). Last evaluated 2023-04-10.

Conditions:
FIG4-related disorder. Also called: FIG4-related condition; FIG4-related disorders.
Charcot-Marie-Tooth disease type 4. Also called: Charcot-Marie-Tooth disease, type IV; Charcot-Marie-Tooth, Type 4. Identifiers: Orphanet 64749, MedGen C4082197, MONDO:0018995.
Charcot-Marie-Tooth disease type 4J (CMT4J). Also called: Charcot-Marie-Tooth Neuropathy Type 4J; CHARCOT-MARIE-TOOTH DISEASE, DEMYELINATING, TYPE 4J; CHARCOT-MARIE-TOOTH DISEASE, AUTOSOMAL RECESSIVE, TYPE 4J. Identifiers: Orphanet 139515, MedGen C1970011, MONDO:0012640, OMIM 611228.

Allele frequency attached by ClinVar (database versions not stated): gnomAD 0.00001.

Submissions (3):

New York Genome Center
Classification: Uncertain significance for Charcot-Marie-Tooth disease type 4J. Last evaluated: 2023-04-10. Review status: criteria provided, single submitter. Criteria: NYGC Assertion Criteria 2020. Collection method: clinical testing. Allele origin: germline. Observed: 1 heterozygote.

Blueprint Genetics
Classification: Likely pathogenic for FIG4-related disorders. Last evaluated: 2021-09-21. Review status: criteria provided, single submitter. Criteria: ACMG Guidelines, 2015. Collection method: clinical testing. Allele origin: germline. Affected: yes. Observed: 2 variant alleles.

Labcorp Genetics (formerly Invitae), Labcorp
Classification: Uncertain significance for Charcot-Marie-Tooth disease type 4. Last evaluated: 2021-08-27. Review status: criteria provided, single submitter. Criteria: Invitae Variant Classification Sherloc (09022015). Collection method: clinical testing. Allele origin: germline.
Comment: This sequence change replaces serine with phenylalanine at codon 276 of the FIG4 protein (p.Ser276Phe). The serine residue is highly conserved and there is a large physicochemical difference between serine and phenylalanine. This variant is not present in population databases (ExAC no frequency). This variant has not been reported in the literature in individuals affected with FIG4-related conditions. Algorithms developed to predict the effect of missense changes on protein structure and function are either unavailable or do not agree on the potential impact of this missense change (SIFT: "Deleterious"; PolyPhen-2: "Probably Damaging"; Align-GVGD: "Class C15"). In summary, the available evidence is currently insufficient to determine the role of this variant in disease. Therefore, it has been classified as a Variant of Uncertain Significance.